The following is an entry in ClinVar:

ClinVar aggregate classification (germline): Benign/Likely benign. Review status: criteria provided, multiple submitters, no conflicts (2 of 4 stars). 2 submissions from 2 submitters: Benign (1); Likely benign (1). Last evaluated 2025-01-29.

Allele frequency attached by ClinVar (database versions not stated): ExAC 0.00001; gnomAD 0.00002; TOPMed 0.00002; gnomAD exomes 0.00003.
gnomAD v4.1: 51 of 1,614,056 alleles (0.0032%); highest among the groups gnomAD compares: Non-Finnish European, 0.0041%; no homozygotes.

Submissions (2):

Labcorp Genetics (formerly Invitae), Labcorp
Classification: Benign. Last evaluated: 2025-01-29. Review status: criteria provided, single submitter. Criteria: Invitae Variant Classification Sherloc (09022015). Collection method: clinical testing. Allele origin: germline.

CeGaT Center for Human Genetics Tuebingen
Classification: Likely benign. Last evaluated: 2022-03-01. Review status: criteria provided, single submitter. Criteria: CeGaT Center For Human Genetics Tuebingen Variant Classification Criteria Version 2. Collection method: clinical testing. Allele origin: germline. Affected: yes. Observed: 1 variant allele.
Comment: KAT6A: BP4

NM_006766.5(KAT6A):c.5313T>C (p.Tyr1771=)

Gene: KAT6A (lysine acetyltransferase 6A; minus strand). Cytogenetic location: 8p11.21.
Variant type: single nucleotide variant.
Coding change: c.5313T>C on transcript NM_006766.5 (MANE Select); coding-DNA position 5313, T replaced by C.
Protein change: p.Tyr1771=; no amino-acid change (tyrosine 1771 retained).
Molecular consequence: synonymous variant.
Genome position (GRCh38, 1-based): chr8:41,932,907, A>G on the plus strand (T>C on the coding strand, the complement: KAT6A is on the minus strand). VCF-style: chr8-41932907-A-G. GRCh37 (hg19) VCF-style: chr8-41790425-A-G.
Identifiers: ClinVar variation 2177393 (VCV002177393.28), dbSNP rs568223536, ClinGen allele CA4729323.